The following is an entry in ClinVar:

NM_005445.4(SMC3):c.2436_2439del (p.Arg812fs)

Gene: SMC3 (structural maintenance of chromosomes 3; plus strand). Cytogenetic location: 10q25.2.
Variant type: Microsatellite.
Coding change: c.2436_2439del on transcript NM_005445.4 (MANE Select); coding-DNA positions 2436 to 2439, 4 bases deleted (ACAG; older notation c.2436_2439delACAG).
Protein change: p.Arg812fs; shifts the reading frame from arginine 812.
Molecular consequence: frameshift variant.
Genome position (GRCh38, 1-based): chr10:110,600,447-110,600,450, ACAG deleted; deleting any 4 consecutive bases within chr10:110,600,443-110,600,450 gives the same sequence; the c. name uses the placement nearest the transcript's 3' end. VCF-style (leftmost placement, unchanged base first): chr10-110600442-AACAG-A. GRCh37 (hg19) VCF-style: chr10-112360200-AACAG-A.
Other names: short protein forms R812fs.
Identifiers: ClinVar variation 5042722 (VCV005042722.1).

ClinVar aggregate classification (germline): Likely pathogenic (1 of 4 stars; one submission).

Conditions:
Cornelia de Lange syndrome 3 (CDLS3). Also called: SMC3-Related Cornelia de Lange Syndrome; CORNELIA DE LANGE SYNDROME 3 WITH OR WITHOUT MIDLINE BRAIN DEFECTS. Identifiers: Orphanet 199, MedGen C1853099, MONDO:0012555, OMIM 610759.

Submission:

Department of Human Genetics, Hannover Medical School
Classification: Likely pathogenic for Cornelia de Lange syndrome 3. Last evaluated: 2026-11-13. Review status: criteria provided, single submitter. Criteria: ACMG Guidelines, 2015. Collection method: clinical testing. Allele origin: germline. Affected: yes.
Comment: PVS1, PM2_Supporting